The following is an entry in ClinVar:

ClinVar aggregate classification (germline): Conflicting classifications of pathogenicity. Review status: criteria provided, conflicting classifications (1 of 4 stars). 2 submissions from 2 submitters: Likely pathogenic (1); Uncertain significance (1). Last evaluated 2025-01-14.

Conditions:
Developmental and epileptic encephalopathy, 30 (DEE30). Also called: Epileptic encephalopathy, early infantile, 30. Identifiers: MedGen C4225360, MONDO:0014595, OMIM 616341.

Submissions (2):

Labcorp Genetics (formerly Invitae), Labcorp
Classification: Uncertain significance for Developmental and epileptic encephalopathy, 30. Last evaluated: 2025-01-14. Review status: criteria provided, single submitter. Criteria: Invitae Variant Classification Sherloc (09022015). Collection method: clinical testing. Allele origin: germline.
Comment: This sequence change creates a premature translational stop signal (p.Leu180Valfs*16) in the SIK1 gene. It is expected to result in an absent or disrupted protein product. However, the current clinical and genetic evidence is not sufficient to establish whether loss-of-function variants in SIK1 cause disease. This variant is not present in population databases (gnomAD no frequency). This variant has not been reported in the literature in individuals affected with SIK1-related conditions. In summary, the available evidence is currently insufficient to determine the role of this variant in disease. Therefore, it has been classified as a Variant of Uncertain Significance.

3billion
Classification: Likely pathogenic for Developmental and epileptic encephalopathy, 30. Last evaluated: 2023-12-19. Review status: criteria provided, single submitter. Criteria: ACMG Guidelines, 2015. Collection method: clinical testing. Allele origin: germline. Affected: yes.
Comment: The variant is not observed in the gnomAD v2.1.1 dataset. Predicted Consequence/Location: Frameshift: predicted to result in a loss or disruption of normal protein function through nonsense-mediated decay (NMD) or protein truncation. Multiple pathogenic variants are reported downstream of the variant. Therefore, this variant is classified as Likely pathogenic according to the recommendation of ACMG/AMP guideline.

NM_173354.5(SIK1):c.538_539del (p.Leu180fs)

Gene: SIK1 (salt inducible kinase 1; minus strand). Cytogenetic location: 21q22.3.
Variant type: Microsatellite.
Coding change: c.538_539del on transcript NM_173354.5 (MANE Select); coding-DNA positions 538 to 539, 2 bases deleted (CT; older notation c.538_539delCT).
Protein change: p.Leu180fs; shifts the reading frame from leucine 180.
Molecular consequence: frameshift variant.
Genome position (GRCh38, 1-based): chr21:43,421,328-43,421,329, AG deleted on the plus strand (CT on the coding strand, the reverse complement: SIK1 is on the minus strand); deleting any 2 consecutive bases within chr21:43,421,328-43,421,331 gives the same sequence; the c. name uses the placement nearest the transcript's 3' end. VCF-style (leftmost placement, unchanged base first): chr21-43421327-CAG-C. GRCh37 (hg19) VCF-style: chr21-44841207-CAG-C.
Other names: short protein forms L180fs.
Identifiers: ClinVar variation 3681108 (VCV003681108.3).